The following is an entry in ClinVar:

NM_014271.4(IL1RAPL1):c.1940A>G (p.His647Arg)

Gene: IL1RAPL1 (interleukin 1 receptor accessory protein like 1; plus strand). Cytogenetic location: Xp21.2.
Variant type: single nucleotide variant.
Coding change: c.1940A>G on transcript NM_014271.4 (MANE Select); coding-DNA position 1940, A replaced by G.
Protein change: p.His647Arg; replaces histidine 647 with arginine.
Molecular consequence: missense variant.
Genome position (GRCh38, 1-based): chrX:29,955,669, A>G. VCF-style: chrX-29955669-A-G. GRCh37 (hg19) VCF-style: chrX-29973786-A-G.
Other names: short protein forms H647R.
Identifiers: ClinVar variation 1305750 (VCV001305750.2), dbSNP rs747906578, ClinGen allele CA10375627.
Genomic context (GRCh38, chrX:29,955,669, plus strand): 5'-GCTATGAGTACGACGTACCTCCTACCGGCACCCTGCCTCTTACCTCCATAGGCAATCAGC[A>G]TACCTACTGTAACATCCCTATGACACTCATCAACGGGCAGCGGCCACAGACAAAATCGAG-3'
Protein context (NP_055086.1, residues 637-657): TLPLTSIGNQ[His647Arg]TYCNIPMTLI

ClinVar aggregate classification (germline): Uncertain significance (1 of 4 stars; one submission).

Allele frequency attached by ClinVar (database versions not stated): ExAC 0.00001; gnomAD exomes 0.00001; TOPMed 0.00001.
gnomAD v4.1: 9 of 1,211,809 alleles (0.00074%); highest among the groups gnomAD compares: Non-Finnish European, 0.001%; no homozygotes.

Submission:

GeneDx
Classification: Uncertain significance. Last evaluated: 2019-05-20. Review status: criteria provided, single submitter. Criteria: GeneDx Variant Classification Process June 2021. Collection method: clinical testing. Allele origin: germline. Affected: yes.
Comment: Not observed in large population cohorts (Lek et al., 2016); In silico analysis, which includes protein predictors and evolutionary conservation, supports that this variant does not alter protein structure/function; Has not been previously published as pathogenic or benign to our knowledge